The following is an entry in ClinVar:

ClinVar aggregate classification (germline): Benign (1 of 4 stars; one submission).

Conditions:
MELAS syndrome (MELAS). Also called: Juvenile myopathy, encephalopathy, lactic acidosis, stroke. Identifiers: Orphanet 550, MedGen C0162671, MONDO:0010789, OMIM 540000.

Submission:

Wong Mito Lab, Molecular and Human Genetics, Baylor College of Medicine
Classification: Benign for MELAS syndrome. Last evaluated: 2019-07-12. Review status: criteria provided, single submitter. Criteria: Modified ACMG Guidelines (Unpublished). Collection method: clinical testing. Allele origin: germline.
Comment: The NC_012920.1:m.4313T>C variant in MT-TI gene is interpreted to be a Benign variant based on the modified ACMG guidelines (unpublished). This variant meets the following evidence codes reported in the guidelines: BS1, BS4, BP4

Literature cited by the submitters: PubMed 31965079.

NC_012920.1(MT-TI):m.4313T>C

Gene: MT-TI (mitochondrially encoded tRNA isoleucine; plus strand).
Variant type: single nucleotide variant.
Genome position: chrM-4313-T-C.
Identifiers: ClinVar variation 689878 (VCV000689878.1), dbSNP rs1603219398, ClinGen allele CA913177695.
Genomic context (GRCh38, chrMT:4,313, plus strand): 5'-CTCAAACCTAAGAAATATGTCTGATAAAAGAGTTACTTTGATAGAGTAAATAATAGGAGC[T>C]TAAACCCCCTTATTTCTAGGACTATGAGAATCGAACCCATCCCTGAGAATCCAAAATTCT-3'